The following is an entry in ClinVar:

ClinVar aggregate classification (germline): Uncertain significance (1 of 4 stars; one submission).

Submission:

GeneDx
Classification: Uncertain significance. Last evaluated: 2026-03-24. Review status: criteria provided, single submitter. Criteria: GeneDx Variant Classification Process June 2021. Collection method: clinical testing. Allele origin: germline.
Comment: Not observed at significant frequency in large population cohorts (gnomAD); In-frame deletion of 9 amino acid(s) in a non-repeat region; In silico analysis supports a deleterious effect on protein structure/function; Has not been previously published as pathogenic or benign to our knowledge

NM_001287491.2(TET3):c.2356_2382del (p.Lys786_Thr794del)

Gene: TET3 (tet methylcytosine dioxygenase 3; plus strand). Cytogenetic location: 2p13.1.
Variant type: Deletion.
Coding change: c.2356_2382del on transcript NM_001287491.2 (MANE Select); coding-DNA positions 2356 to 2382, 27 bases deleted (AAGGCTGAGAACCCACTCACACCCACC).
Protein change: p.Lys786_Thr794del.
Molecular consequence: inframe deletion.
Genome position (GRCh38, 1-based): chr2:74,048,273-74,048,299, AAGGCTGAGAACCCACTCACACCCACC deleted; deleting any 27 consecutive bases within chr2:74,048,263-74,048,299 gives the same sequence; the c. name uses the placement nearest the transcript's 3' end. VCF-style (leftmost placement, unchanged base first): chr2-74048262-CCACACCCACCAAGGCTGAGAACCCACT-C. GRCh37 (hg19) VCF-style: chr2-74275389-CCACACCCACCAAGGCTGAGAACCCACT-C.
Other names: c.2077_2103del, p.Lys693_Thr701del (NM_001366022.1).
Identifiers: ClinVar variation 5017202 (VCV005017202.1).